The following is an entry in ClinVar:

NM_198578.4(LRRK2):c.6451A>G (p.Ile2151Val)

Gene: LRRK2 (leucine rich repeat kinase 2; plus strand). Cytogenetic location: 12q12.
Variant type: single nucleotide variant.
Coding change: c.6451A>G on transcript NM_198578.4 (MANE Select); coding-DNA position 6451, A replaced by G.
Protein change: p.Ile2151Val; replaces isoleucine 2151 with valine.
Molecular consequence: missense variant.
Genome position (GRCh38, 1-based): chr12:40,351,608, A>G. VCF-style: chr12-40351608-A-G. GRCh37 (hg19) VCF-style: chr12-40745410-A-G.
Other names: short protein forms I2151V.
Identifiers: ClinVar variation 3291928 (VCV003291928.1).

ClinVar aggregate classification (germline): Uncertain significance (1 of 4 stars; one submission).

Conditions:
Inborn genetic diseases. Identifiers: MedGen C0950123, MeSH D030342.

gnomAD v4.1: 2 of 1,614,214 alleles (0.00012%); highest among the groups gnomAD compares: South Asian, 0.0022%; no homozygotes.

Submission:

Ambry Genetics
Classification: Uncertain significance for Inborn genetic diseases. Last evaluated: 2024-03-19. Review status: criteria provided, single submitter. Criteria: Ambry Variant Classification Scheme 2023. Collection method: clinical testing. Allele origin: germline.
Comment: The p.I2151V variant (also known as c.6451A>G), located in coding exon 44 of the LRRK2 gene, results from an A to G substitution at nucleotide position 6451. The isoleucine at codon 2151 is replaced by valine, an amino acid with highly similar properties. This amino acid position is conserved. In addition, this alteration is predicted to be tolerated by in silico analysis. Based on the available evidence, the clinical significance of this alteration remains unclear.